The following is an entry in ClinVar:

NM_138370.3(PKDCC):c.380G>T (p.Gly127Val)

Genes: PKDCC (protein kinase domain containing, cytoplasmic; plus strand), LOC129933565 (ATAC-STARR-seq lymphoblastoid silent region 11398; plus strand). Cytogenetic location: 2p21.
Variant type: single nucleotide variant.
Coding change: c.380G>T on transcript NM_138370.3 (MANE Select); coding-DNA position 380, G replaced by T.
Protein change: p.Gly127Val; replaces glycine 127 with valine.
Molecular consequence: missense variant.
Genome position (GRCh38, 1-based): chr2:42,048,579, G>T. VCF-style: chr2-42048579-G-T. GRCh37 (hg19) VCF-style: chr2-42275719-G-T.
Other names: short protein forms G127V.
Identifiers: ClinVar variation 1521618 (VCV001521618.7), dbSNP rs1271122672, ClinGen allele CA346623046.

ClinVar aggregate classification (germline): Uncertain significance (1 of 4 stars; one submission).

Allele frequency attached by ClinVar (database versions not stated): gnomAD 0.00001; TOPMed 0.00001; gnomAD exomes 0.00006.
gnomAD v4.1: 6 of 1,394,250 alleles (0.00043%); highest among the groups gnomAD compares: Admixed American, 0.013%; no homozygotes.

Submission:

Labcorp Genetics (formerly Invitae), Labcorp
Classification: Uncertain significance. Last evaluated: 2022-08-16. Review status: criteria provided, single submitter. Criteria: Invitae Variant Classification Sherloc (09022015). Collection method: clinical testing. Allele origin: germline.
Comment: The frequency data for this variant in the population databases is considered unreliable, as metrics indicate poor data quality at this position in the gnomAD database. This sequence change replaces glycine, which is neutral and non-polar, with valine, which is neutral and non-polar, at codon 127 of the PKDCC protein (p.Gly127Val). This variant has not been reported in the literature in individuals affected with PKDCC-related conditions. In summary, the available evidence is currently insufficient to determine the role of this variant in disease. Therefore, it has been classified as a Variant of Uncertain Significance. Algorithms developed to predict the effect of missense changes on protein structure and function are either unavailable or do not agree on the potential impact of this missense change (SIFT: "Deleterious"; PolyPhen-2: "Benign"; Align-GVGD: "Class C0"). ClinVar contains an entry for this variant (Variation ID: 1521618).